The following is an entry in ClinVar:

NM_003221.4(TFAP2B):c.691T>C (p.Cys231Arg)

Gene: TFAP2B (transcription factor AP-2 beta; plus strand). Cytogenetic location: 6p12.3.
Variant type: single nucleotide variant.
Coding change: c.691T>C on transcript NM_003221.4 (MANE Select); coding-DNA position 691, T replaced by C.
Protein change: p.Cys231Arg; replaces cysteine 231 with arginine.
Molecular consequence: missense variant.
Genome position (GRCh38, 1-based): chr6:50,836,150, T>C. VCF-style: chr6-50836150-T-C. GRCh37 (hg19) VCF-style: chr6-50803863-T-C.
Other names: short protein forms C231R.
Identifiers: ClinVar variation 1307411 (VCV001307411.2), dbSNP rs2113949800, ClinGen allele CA364414844.
Genomic context (GRCh38, chr6:50,836,150, plus strand): 5'-CTAATGATGAATAAAGACGGCTTCCTGGGAGGCATGTCTGTCAACACCGGCGAGGTGTTT[T>C]GCTCCGTCCCAGGCCGTTTGTCTCTGCTCAGTTCAACTTCGAAGTACAAAGTAACTGTGG-3'
Protein context (NP_003212.2, residues 221-241): GMSVNTGEVF[Cys231Arg]SVPGRLSLLS

ClinVar aggregate classification (germline): Uncertain significance (1 of 4 stars; one submission).

Submission:

GeneDx
Classification: Uncertain significance. Last evaluated: 2019-07-26. Review status: criteria provided, single submitter. Criteria: GeneDx Variant Classification Process June 2021. Collection method: clinical testing. Allele origin: germline. Affected: yes.
Comment: Not observed in large population cohorts (Lek et al., 2016); In silico analysis, which includes protein predictors and evolutionary conservation, supports a deleterious effect; Has not been previously published as pathogenic or benign to our knowledge